The following is an entry in ClinVar:

ClinVar aggregate classification (germline): Uncertain significance. Review status: criteria provided, multiple submitters, no conflicts (2 of 4 stars). 3 submissions from 3 submitters: Uncertain significance (3). Last evaluated 2024-12-08.

Conditions:
Hereditary cancer-predisposing syndrome. Also called: Hereditary neoplastic syndrome; Neoplastic Syndromes, Hereditary; Tumor predisposition; Hereditary Cancer Syndrome. Identifiers: Orphanet 140162, MedGen C0027672, MeSH D009386, MONDO:0015356.

Submissions (3):

Labcorp Genetics (formerly Invitae), Labcorp
Classification: Uncertain significance. Last evaluated: 2024-12-08. Review status: criteria provided, single submitter. Criteria: Invitae Variant Classification Sherloc (09022015). Collection method: clinical testing. Allele origin: germline.
Comment: This sequence change replaces arginine, which is basic and polar, with leucine, which is neutral and non-polar, at codon 155 of the NTHL1 protein (p.Arg155Leu). This variant is not present in population databases (gnomAD no frequency). This variant has not been reported in the literature in individuals affected with NTHL1-related conditions. ClinVar contains an entry for this variant (Variation ID: 1313094). An algorithm developed to predict the effect of missense changes on protein structure and function (PolyPhen-2) suggests that this variant is likely to be tolerated. In summary, the available evidence is currently insufficient to determine the role of this variant in disease. Therefore, it has been classified as a Variant of Uncertain Significance.

Ambry Genetics
Classification: Uncertain significance for Hereditary cancer-predisposing syndrome. Last evaluated: 2023-05-24. Review status: criteria provided, single submitter. Criteria: Ambry Variant Classification Scheme 2023. Collection method: clinical testing. Allele origin: germline.
Comment: The p.R155L variant (also known as c.464G>T), located in coding exon 3 of the NTHL1 gene, results from a G to T substitution at nucleotide position 464. The arginine at codon 155 is replaced by leucine, an amino acid with dissimilar properties. This amino acid position is well conserved in available vertebrate species. In addition, the in silico prediction for this alteration is inconclusive. Since supporting evidence is limited at this time, the clinical significance of this alteration remains unclear.

GeneDx
Classification: Uncertain significance. Last evaluated: 2020-07-10. Review status: criteria provided, single submitter. Criteria: GeneDx Variant Classification Process June 2021. Collection method: clinical testing. Allele origin: germline. Affected: yes.
Comment: Not observed in large population cohorts (Lek et al., 2016); In silico analysis supports that this missense variant has a deleterious effect on protein structure/function; Has not been previously published as pathogenic or benign to our knowledge

NM_002528.7(NTHL1):c.440G>T (p.Arg147Leu)

Gene: NTHL1 (nth like DNA glycosylase 1; minus strand). Cytogenetic location: 16p13.3.
Variant type: single nucleotide variant.
Coding change: c.440G>T on transcript NM_002528.7 (MANE Select); coding-DNA position 440, G replaced by T.
Protein change: p.Arg147Leu; replaces arginine 147 with leucine.
Molecular consequence: missense variant. On other transcripts: intron variant (1).
Genome position (GRCh38, 1-based): chr16:2,044,715, C>A on the plus strand (G>T on the coding strand, the complement: NTHL1 is on the minus strand). VCF-style: chr16-2044715-C-A. GRCh37 (hg19) VCF-style: chr16-2094716-C-A.
Other names: c.110G>T, p.Arg37Leu (NM_001318194.2); c.355-989G>T (NM_001318193.2); short protein forms R147L, R37L.
Identifiers: ClinVar variation 1313094 (VCV001313094.6), dbSNP rs1431434201, ClinGen allele CA394294323.